The following is an entry in ClinVar:

NM_001184900.3(CARD8):c.497G>C (p.Gly166Ala)

Gene: CARD8 (caspase recruitment domain family member 8; minus strand). Cytogenetic location: 19q13.33.
Variant type: single nucleotide variant.
Coding change: c.497G>C on transcript NM_001184900.3 (MANE Select); coding-DNA position 497, G replaced by C.
Protein change: p.Gly166Ala; replaces glycine 166 with alanine.
Molecular consequence: missense variant. On other transcripts: non-coding transcript variant (4).
Genome position (GRCh38, 1-based): chr19:48,231,705, C>G on the plus strand (G>C on the coding strand, the complement: CARD8 is on the minus strand). VCF-style: chr19-48231705-C-G. GRCh37 (hg19) VCF-style: chr19-48734962-C-G.
Other names: c.347G>C, p.Gly116Ala (NM_001184901.1, NM_001351783.2, NM_001351788.2 and 2 more transcripts); c.497G>C, p.Gly166Ala (NM_001184902.2, NM_001184903.1, NM_001351782.2); c.182G>C, p.Gly61Ala (NM_001351784.2, NM_001351787.2, NM_001351791.2 and 2 more transcripts); c.161G>C, p.Gly54Ala (NM_001351786.2); c.254G>C, p.Gly85Ala (NM_001351790.2); short protein forms G61A, G85A, G166A, G116A, G54A.
Identifiers: ClinVar variation 1355491 (VCV001355491.8), dbSNP rs751018827, ClinGen allele CA406644823.

ClinVar aggregate classification (germline): Uncertain significance (1 of 4 stars; one submission).

Submission:

Labcorp Genetics (formerly Invitae), Labcorp
Classification: Uncertain significance. Last evaluated: 2021-05-20. Review status: criteria provided, single submitter. Criteria: Invitae Variant Classification Sherloc (09022015). Collection method: clinical testing. Allele origin: germline.
Comment: In summary, the available evidence is currently insufficient to determine the role of this variant in disease. Therefore, it has been classified as a Variant of Uncertain Significance. Algorithms developed to predict the effect of missense changes on protein structure and function are either unavailable or do not agree on the potential impact of this missense change (SIFT: "Deleterious"; PolyPhen-2: "Probably Damaging"; Align-GVGD: "Class C0"). This variant has not been reported in the literature in individuals with CARD8-related conditions. This variant is not present in population databases (ExAC no frequency). This sequence change replaces glycine with alanine at codon 116 of the CARD8 protein (p.Gly116Ala). The glycine residue is highly conserved and there is a small physicochemical difference between glycine and alanine.